The following is an entry in ClinVar:

ClinVar aggregate classification (germline): Uncertain significance. Review status: criteria provided, multiple submitters, no conflicts (2 of 4 stars). 2 submissions from 2 submitters: Uncertain significance (2). Last evaluated 2025-12-24.

Conditions:
Multiple endocrine neoplasia, type 1 (MEN1). Also called: MEA I; MEN I; WERMER SYNDROME; Endocrine adenomatosis multiple; MEN 1. Identifiers: Orphanet 652, MedGen C0025267, MeSH D018761, MONDO:0007540, OMIM 131100.
Hereditary cancer-predisposing syndrome. Also called: Neoplastic Syndromes, Hereditary; Tumor predisposition; Hereditary Cancer Syndrome; Hereditary neoplastic syndrome. Identifiers: Orphanet 140162, MedGen C0027672, MeSH D009386, MONDO:0015356.

Allele frequency attached by ClinVar (database versions not stated): gnomAD exomes below 0.00001.

Submissions (2):

Labcorp Genetics (formerly Invitae), Labcorp
Classification: Uncertain significance for Multiple endocrine neoplasia, type 1. Last evaluated: 2025-12-24. Review status: criteria provided, single submitter. Criteria: Invitae Variant Classification Sherloc (09022015). Collection method: clinical testing. Allele origin: germline.
Comment: This sequence change replaces valine, which is neutral and non-polar, with methionine, which is neutral and non-polar, at codon 19 of the MEN1 protein (p.Val19Met). The frequency data for this variant in the population databases is considered unreliable, as metrics indicate poor data quality at this position in the gnomAD database. This variant has not been reported in the literature in individuals affected with MEN1-related conditions. ClinVar contains an entry for this variant (Variation ID: 1748560). Invitae Evidence Modeling of protein sequence and biophysical properties (such as structural, functional, and spatial information, amino acid conservation, physicochemical variation, residue mobility, and thermodynamic stability) indicates that this missense variant is expected to disrupt MEN1 protein function with a positive predictive value of 95%. In summary, the available evidence is currently insufficient to determine the role of this variant in disease. Therefore, it has been classified as a Variant of Uncertain Significance.

Ambry Genetics
Classification: Uncertain significance for Hereditary cancer-predisposing syndrome. Last evaluated: 2024-08-19. Review status: criteria provided, single submitter. Criteria: Ambry Variant Classification Scheme 2023. Collection method: clinical testing. Allele origin: germline.

NM_001370259.2(MEN1):c.55G>A (p.Val19Met)

Gene: MEN1 (menin 1; minus strand). Cytogenetic location: 11q13.1.
Variant type: single nucleotide variant.
Coding change: c.55G>A on transcript NM_001370259.2 (MANE Select); coding-DNA position 55, G replaced by A.
Protein change: p.Val19Met; replaces valine 19 with methionine.
Molecular consequence: missense variant.
Genome position (GRCh38, 1-based): chr11:64,810,055, C>T on the plus strand (G>A on the coding strand, the complement: MEN1 is on the minus strand). VCF-style: chr11-64810055-C-T. GRCh37 (hg19) VCF-style: chr11-64577527-C-T.
Other names: c.55G>A, p.Val19Met (NM_000244.4, NM_001370251.2, NM_001370260.2 and 20 more transcripts); short protein forms V19M.
Identifiers: ClinVar variation 1748560 (VCV001748560.5), dbSNP rs1277927362, ClinGen allele CA381188141.
Genomic context (GRCh38, chr11:64,810,055, plus strand): 5'-AGGAAAGGAGCACCAGGTCCGGCTCCTCTCGGCCCAGCTCGGCAGCAAACAGGCGCACCA[C>T]GTCGTCGATGGAGCGCAGCGGGAACAGCGTCTTCTGGGCGGCCTTCAGCCCCATGGCGGC-3'
Protein context (NP_001357188.2, residues 9-29): TLFPLRSIDD[Val19Met]VRLFAAELGR